The following is an entry in ClinVar:

ClinVar aggregate classification (germline): Uncertain significance. Review status: criteria provided, multiple submitters, no conflicts (2 of 4 stars). 5 submissions from 5 submitters: Uncertain significance (4). 1 of the submissions does not count toward it. Last evaluated 2025-01-03.

Conditions:
Ataxia-telangiectasia syndrome (AT). Also called: Ataxia-telangiectasia, complementation group D; AT, COMPLEMENTATION GROUP C; ATAXIA-TELANGIECTASIA, COMPLEMENTATION GROUP A; ATAXIA-TELANGIECTASIA, FRESNO VARIANT; Ataxia-telangiectasia; LOUIS-BAR SYNDROME. Identifiers: Orphanet 100, MedGen C0004135, MONDO:0008840, OMIM 208900.
Hereditary cancer-predisposing syndrome. Also called: Tumor predisposition; Hereditary neoplastic syndrome; Neoplastic Syndromes, Hereditary; Hereditary Cancer Syndrome. Identifiers: Orphanet 140162, MedGen C0027672, MeSH D009386, MONDO:0015356.

Allele frequency attached by ClinVar (database versions not stated): gnomAD exomes below 0.00001; TOPMed below 0.00001; ExAC 0.00001.
gnomAD v4.1: 4 of 1,614,116 alleles (0.00025%); highest among the groups gnomAD compares: South Asian, 0.0033%; no homozygotes.

Submissions (5):

Institute for Biomarker Research, Medical Diagnostic Laboratories, L.L.C.
Classification: Uncertain significance for Hereditary cancer-predisposing syndrome. Last evaluated: 2025-01-03. Review status: criteria provided, single submitter. Criteria: ACMG Guidelines, 2015. Collection method: clinical testing. Allele origin: germline.
Comment: The missense variant NM_000051.4(ATM):c.6128G>T (p.Gly2043Val) has not been reported previously as a pathogenic variant nor as a benign variant, to our knowledge. There is a moderate physicochemical difference between glycine and valine. The gene ATM has a low rate of benign missense variation as indicated by a high missense variants Z-Score of 2.52. 3 variants within 6 amino acid positions of the variant p.Gly2043Val have been shown to be pathogenic, while none have been shown to be benign. For these reasons, this variant has been classified as Uncertain Significance.

Ambry Genetics
Classification: Uncertain significance for Hereditary cancer-predisposing syndrome. Last evaluated: 2022-12-26. Review status: criteria provided, single submitter. Criteria: Ambry Variant Classification Scheme 2023. Collection method: clinical testing. Allele origin: germline.
Comment: The p.G2043V variant (also known as c.6128G>T), located in coding exon 41 of the ATM gene, results from a G to T substitution at nucleotide position 6128. The glycine at codon 2043 is replaced by valine, an amino acid with dissimilar properties. This amino acid position is not well conserved in available vertebrate species. In addition, this alteration is predicted to be tolerated by in silico analysis. Since supporting evidence is limited at this time, the clinical significance of this alteration remains unclear.

Labcorp Genetics (formerly Invitae), Labcorp
Classification: Uncertain significance for Ataxia-telangiectasia syndrome. Last evaluated: 2022-11-23. Review status: criteria provided, single submitter. Criteria: Invitae Variant Classification Sherloc (09022015). Collection method: clinical testing. Allele origin: germline.
Comment: This sequence change replaces glycine, which is neutral and non-polar, with valine, which is neutral and non-polar, at codon 2043 of the ATM protein (p.Gly2043Val). The frequency data for this variant in the population databases is considered unreliable, as metrics indicate poor data quality at this position in the gnomAD database. This variant has not been reported in the literature in individuals affected with ATM-related conditions. ClinVar contains an entry for this variant (Variation ID: 664400). Algorithms developed to predict the effect of missense changes on protein structure and function (SIFT, PolyPhen-2, Align-GVGD) all suggest that this variant is likely to be tolerated. In summary, the available evidence is currently insufficient to determine the role of this variant in disease. Therefore, it has been classified as a Variant of Uncertain Significance.

Color Diagnostics, LLC DBA Color Health
Classification: Uncertain significance for Hereditary cancer-predisposing syndrome. Last evaluated: 2018-12-17. Review status: criteria provided, single submitter. Criteria: ACMG Guidelines, 2015. Collection method: clinical testing. Allele origin: germline.

Natera, Inc.
Classification: Uncertain significance for Ataxia-telangiectasia. Last evaluated: 2020-09-16. Review status: no assertion criteria provided. Collection method: clinical testing. Allele origin: germline. Not counted in ClinVar's aggregate classification.

NM_000051.4(ATM):c.6128G>T (p.Gly2043Val)

Genes: ATM (ATM serine/threonine kinase; plus strand), C11orf65 (chromosome 11 open reading frame 65; minus strand). Cytogenetic location: 11q22.3.
Variant type: single nucleotide variant.
Coding change: c.6128G>T on transcript NM_000051.4 (MANE Select); coding-DNA position 6128, G replaced by T.
Protein change: p.Gly2043Val; replaces glycine 2043 with valine.
Molecular consequence: missense variant. On other transcripts: intron variant (2).
Genome position (GRCh38, 1-based): chr11:108,316,043, G>T. VCF-style: chr11-108316043-G-T. GRCh37 (hg19) VCF-style: chr11-108186770-G-T.
Other names: c.6128G>T, p.Gly2043Val (NM_001351834.2); c.641-6972C>A (NM_001330368.2); c.*39-6972C>A (NM_001351110.2); short protein forms G2043V.
Identifiers: ClinVar variation 664400 (VCV000664400.18), dbSNP rs753384717, ClinGen allele CA6265869.